The following is an entry in ClinVar:

NM_000363.5(TNNI3):c.233C>G (p.Thr78Ser)

Gene: TNNI3 (troponin I3, cardiac type; minus strand). Cytogenetic location: 19q13.42.
Variant type: single nucleotide variant.
Coding change: c.233C>G on transcript NM_000363.5 (MANE Select); coding-DNA position 233, C replaced by G.
Protein change: p.Thr78Ser; replaces threonine 78 with serine.
Molecular consequence: missense variant.
Genome position (GRCh38, 1-based): chr19:55,156,250, G>C on the plus strand (C>G on the coding strand, the complement: TNNI3 is on the minus strand). VCF-style: chr19-55156250-G-C. GRCh37 (hg19) VCF-style: chr19-55667618-G-C.
Other names: c.233C>G (LRG_432t1); short protein forms T78S.
Identifiers: ClinVar variation 191799 (VCV000191799.1), dbSNP rs786205288, ClinGen allele CA021389.

ClinVar aggregate classification (germline): Uncertain significance (1 of 4 stars; one submission).

Submission:

Biesecker Lab/Clinical Genomics Section, National Institutes of Health
Classification: Uncertain significance. Last evaluated: 2013-06-24. Review status: criteria provided, single submitter. Criteria: Ng et al. (Circ Cardiovasc Genet. 2013). Collection method: research. Allele origin: unknown. Observed: 1 variant allele. Study: ClinSeq.
Comment: The study set was not selected for affection status in relation to any cancer. Pathogenicity categories were based on literature curation. See Pubmed ID:23861362 for details.

Medical sequencing